The following is an entry in ClinVar:

ClinVar aggregate classification (germline): Uncertain significance (1 of 4 stars; one submission).

Conditions:
Familial hemiplegic migraine. Identifiers: MedGen C0338484, MONDO:0000700.

Submission:

Labcorp Genetics (formerly Invitae), Labcorp
Classification: Uncertain significance for Familial hemiplegic migraine. Last evaluated: 2022-06-08. Review status: criteria provided, single submitter. Criteria: Invitae Variant Classification Sherloc (09022015). Collection method: clinical testing. Allele origin: germline.
Comment: In summary, the available evidence is currently insufficient to determine the role of this variant in disease. Therefore, it has been classified as a Variant of Uncertain Significance. Advanced modeling of protein sequence and biophysical properties (such as structural, functional, and spatial information, amino acid conservation, physicochemical variation, residue mobility, and thermodynamic stability) performed at Invitae indicates that this missense variant is expected to disrupt ATP1A2 protein function. This variant has not been reported in the literature in individuals affected with ATP1A2-related conditions. This variant is not present in population databases (gnomAD no frequency). This sequence change replaces proline, which is neutral and non-polar, with serine, which is neutral and polar, at codon 833 of the ATP1A2 protein (p.Pro833Ser).

NM_000702.4(ATP1A2):c.2497C>T (p.Pro833Ser)

Gene: ATP1A2 (ATPase Na+/K+ transporting subunit alpha 2; plus strand). Cytogenetic location: 1q23.2.
Variant type: single nucleotide variant.
Coding change: c.2497C>T on transcript NM_000702.4 (MANE Select); coding-DNA position 2497, C replaced by T.
Protein change: p.Pro833Ser; replaces proline 833 with serine.
Molecular consequence: missense variant.
Genome position (GRCh38, 1-based): chr1:160,136,304, C>T. VCF-style: chr1-160136304-C-T. GRCh37 (hg19) VCF-style: chr1-160106094-C-T.
Other names: short protein forms P833S.
Identifiers: ClinVar variation 2003215 (VCV002003215.4), dbSNP rs2524889855, ClinGen allele CA343251435.